The following is an entry in ClinVar:

NM_001136020.3(ICA1):c.828A>C (p.Lys276Asn)

Gene: ICA1 (islet cell autoantigen 1; minus strand). Cytogenetic location: 7p21.3.
Variant type: single nucleotide variant.
Coding change: c.828A>C on transcript NM_001136020.3 (MANE Select); coding-DNA position 828, A replaced by C.
Protein change: p.Lys276Asn; replaces lysine 276 with asparagine.
Molecular consequence: missense variant. On other transcripts: non-coding transcript variant (4).
Genome position (GRCh38, 1-based): chr7:8,143,949, T>G on the plus strand (A>C on the coding strand, the complement: ICA1 is on the minus strand). VCF-style: chr7-8143949-T-G. GRCh37 (hg19) VCF-style: chr7-8183579-T-G.
Other names: c.825A>C, p.Lys275Asn (NM_001276478.2, NM_001350821.2, NM_001350823.2 and 6 more transcripts); c.828A>C, p.Lys276Asn (NM_001350819.2, NM_001350820.2, NM_001350826.2 and 6 more transcripts); c.603A>C, p.Lys201Asn (NM_001350838.2); c.828A>C (NM_001350827.1); c.606A>C, p.Lys202Asn (NM_001350835.2, NM_001350836.2, NM_001350837.2); short protein forms K202N, K201N, K275N, K276N.
Identifiers: ClinVar variation 2243652 (VCV002243652.3), dbSNP rs1172363522, ClinGen allele CA366495070.

ClinVar aggregate classification (germline): Uncertain significance. Review status: criteria provided, multiple submitters, no conflicts (2 of 4 stars). 2 submissions from 2 submitters: Uncertain significance (2). Last evaluated 2025-08-03.

Conditions:
ICA1-related disorder. Also called: ICA1-related condition.

Allele frequency attached by ClinVar (database versions not stated): gnomAD exomes below 0.00001.
gnomAD v4.1: 3 of 1,605,926 alleles (0.00019%); highest among the groups gnomAD compares: African/African-American, 0.0027%; no homozygotes.

Submissions (2):

PreventionGenetics, part of Exact Sciences
Classification: Uncertain significance for ICA1-related condition. Last evaluated: 2025-08-03. Review status: criteria provided, single submitter. Criteria: ACMG Guidelines, 2015. Collection method: clinical testing. Allele origin: germline.
Comment: The ICA1 c.828A>C variant is predicted to result in the amino acid substitution p.Lys276Asn. To our knowledge, this variant has not been reported in the literature. This variant is reported in 0.0062% of alleles in individuals of African descent in gnomAD. At this time, the clinical significance of this variant is uncertain due to the absence of conclusive functional and genetic evidence.

Ambry Genetics
Classification: Uncertain significance. Last evaluated: 2021-08-12. Review status: criteria provided, single submitter. Criteria: Ambry Variant Classification Scheme 2023. Collection method: clinical testing. Allele origin: germline.